The following is an entry in ClinVar:

NM_032620.4(GTPBP3):c.59G>A (p.Cys20Tyr)

Gene: GTPBP3 (GTP binding protein 3, mitochondrial; plus strand). Cytogenetic location: 19p13.11.
Variant type: single nucleotide variant.
Coding change: c.59G>A on transcript NM_032620.4 (MANE Select); coding-DNA position 59, G replaced by A.
Protein change: p.Cys20Tyr; replaces cysteine 20 with tyrosine.
Molecular consequence: missense variant.
Genome position (GRCh38, 1-based): chr19:17,338,013, G>A. VCF-style: chr19-17338013-G-A. GRCh37 (hg19) VCF-style: chr19-17448822-G-A.
Other names: c.59G>A, p.Cys20Tyr (NM_001128855.3, NM_133644.4); c.125G>A, p.Cys42Tyr (NM_001195422.1); short protein forms C20Y, C42Y.
Identifiers: ClinVar variation 4686827 (VCV004686827.1).

ClinVar aggregate classification (germline): Uncertain significance (1 of 4 stars; one submission).

Submission:

GeneDx
Classification: Uncertain significance. Last evaluated: 2025-07-20. Review status: criteria provided, single submitter. Criteria: GeneDx Variant Classification Process June 2021. Collection method: clinical testing. Allele origin: germline. Affected: yes.
Comment: Not observed at significant frequency in large population cohorts (gnomAD); In silico analysis suggests that this missense variant does not alter protein structure/function; Has not been previously published as pathogenic or benign to our knowledge